The following is an entry in ClinVar:

ClinVar aggregate classification (germline): Uncertain significance. Review status: criteria provided, multiple submitters, no conflicts (2 of 4 stars). 6 submissions from 6 submitters: Uncertain significance (6). Last evaluated 2025-02-08.

Conditions:
Aortic aneurysm, familial thoracic 4 (AAT4). Also called: AORTIC ANEURYSM/AORTIC DISSECTION AND PATENT DUCTUS ARTERIOSUS. Identifiers: MedGen C1851504, MONDO:0007568, OMIM 132900.
Familial thoracic aortic aneurysm and aortic dissection (TAAD). Also called: Thoracic aortic aneurysms and dissections. Identifiers: Orphanet 91387, MedGen C4707243, MONDO:0019625.

Allele frequency attached by ClinVar (database versions not stated): gnomAD exomes below 0.00001 and 0.00001; ExAC 0.00001.
gnomAD v4.1: 21 of 1,614,158 alleles (0.0013%); highest among the groups gnomAD compares: Middle Eastern, 0.016%; no homozygotes.

Submissions (6):

Labcorp Genetics (formerly Invitae), Labcorp
Classification: Uncertain significance for Aortic aneurysm, familial thoracic 4. Last evaluated: 2025-02-08. Review status: criteria provided, single submitter. Criteria: Invitae Variant Classification Sherloc (09022015). Collection method: clinical testing. Allele origin: germline.
Comment: This sequence change replaces serine, which is neutral and polar, with leucine, which is neutral and non-polar, at codon 135 of the MYH11 protein (p.Ser135Leu). This variant is present in population databases (rs760445629, gnomAD 0.0009%). This variant has not been reported in the literature in individuals affected with MYH11-related conditions. ClinVar contains an entry for this variant (Variation ID: 1192277). Invitae Evidence Modeling of protein sequence and biophysical properties (such as structural, functional, and spatial information, amino acid conservation, physicochemical variation, residue mobility, and thermodynamic stability) indicates that this missense variant is not expected to disrupt MYH11 protein function with a negative predictive value of 95%. In summary, the available evidence is currently insufficient to determine the role of this variant in disease. Therefore, it has been classified as a Variant of Uncertain Significance.

Color Diagnostics, LLC DBA Color Health
Classification: Uncertain significance for Familial thoracic aortic aneurysm and aortic dissection. Last evaluated: 2024-07-26. Review status: criteria provided, single submitter. Criteria: ACMG Guidelines, 2015. Collection method: clinical testing. Allele origin: germline.
Comment: This missense variant replaces serine with leucine at codon 135 of the MYH11 protein. Computational prediction suggests that this variant may have deleterious impact on protein structure and function. To our knowledge, functional studies have not been reported for this variant. This variant has not been reported in individuals affected with MYH11-related disorders in the literature. This variant has been identified in 1/251488 chromosomes in the general population by the Genome Aggregation Database (gnomAD). The available evidence is insufficient to determine the role of this variant in disease conclusively. Therefore, this variant is classified as a Variant of Uncertain Significance.

All of Us Research Program, National Institutes of Health
Classification: Uncertain significance for Familial thoracic aortic aneurysm and aortic dissection. Last evaluated: 2024-06-07. Review status: criteria provided, single submitter. Criteria: ACMG Guidelines, 2015. Collection method: clinical testing. Allele origin: germline. Inheritance: Autosomal dominant inheritance. Observed: 3 variant alleles, 3 heterozygotes.
Comment: This missense variant replaces serine with leucine at codon 135 of the MYH11 protein. Computational prediction suggests that this variant may have deleterious impact on protein structure and function (internally defined REVEL score threshold >= 0.7, PMID: 27666373). To our knowledge, functional studies have not been reported for this variant. This variant has not been reported in individuals affected with MYH11-related disorders in the literature. This variant has been identified in 1/251488 chromosomes in the general population by the Genome Aggregation Database (gnomAD). The available evidence is insufficient to determine the role of this variant in disease conclusively. Therefore, this variant is classified as a Variant of Uncertain Significance.

This study involves interpretation of variants in research participants for the purpose of population health screening. Participant phenotype was not available at the time of variant classification. Additional details can be found in publication PMID: 35346344, PMCID: PMC8962531

GeneDx
Classification: Uncertain significance. Last evaluated: 2022-10-13. Review status: criteria provided, single submitter. Criteria: GeneDx Variant Classification Process June 2021. Collection method: clinical testing. Allele origin: germline. Affected: yes.
Comment: Not observed at significant frequency in large population cohorts (gnomAD); In silico analysis supports that this missense variant has a deleterious effect on protein structure/function; Has not been previously published as pathogenic or benign to our knowledge

Women's Health and Genetics/Laboratory Corporation of America, LabCorp
Classification: Uncertain significance. Last evaluated: 2021-07-27. Review status: criteria provided, single submitter. Criteria: LabCorp Variant Classification Summary - May 2015. Collection method: clinical testing. Allele origin: germline.
Comment: Variant summary: MYH11 c.404C>T (p.Ser135Leu) results in a non-conservative amino acid change located in the Myosin head, motor domain (IPR001609) of the encoded protein sequence. Five of five in-silico tools predict a damaging effect of the variant on protein function. The variant allele was found at a frequency of 4e-06 in 251488 control chromosomes. The available data on variant occurrences in the general population are insufficient to allow any conclusion about variant significance. To our knowledge, no occurrence of c.404C>T in individuals affected with Thoracic Aortic Aneurysms And Dissections and no experimental evidence demonstrating its impact on protein function have been reported. No clinical diagnostic laboratories have submitted clinical-significance assessments for this variant to ClinVar after 2014. Based on the evidence outlined above, the variant was classified as uncertain significance.

Victorian Clinical Genetics Services, Murdoch Childrens Research Institute
Classification: Uncertain significance for Aortic aneurysm, familial thoracic 4. Last evaluated: 2020-05-21. Review status: criteria provided, single submitter. Criteria: ACMG Guidelines, 2015. Collection method: clinical testing. Allele origin: germline. Inheritance: Autosomal dominant inheritance. Affected: yes.
Comment: Based on the classification scheme VCGS_Germline_v1.1.1, this variant is classified as 3B-VUS. Following criteria are met: 0102 - Loss-of-function is a known mechanism of disease for this gene. (N) 0107 - This gene is known to be associated with autosomal dominant disease. (N) 0200 - Variant is predicted to result in a missense amino acid change from a serine to a leucine (exon 3). (N) 0251 - Variant is heterozygous. (N) 0302 - Variant is present in gnomAD <0.001 for a dominant condition (1 Heterozygote). (P) 0501 - Missense variant location is highly conserved and results in a major amino acid change. (P) 0600 - Variant is located in an annotated domain or motif (Myosin head motor domain; PDB, NCBI). (N) 0705 - No comparable variants have previous evidence for pathogenicity. (N) 0807 - Variant has not previously been reported in a clinical context. (N) 0905 - No segregation evidence has been identified for this variant. (N) 1007 - No published functional evidence has been identified for this variant. (N) 1208 - Inheritance information for this variant is not currently available. (N) Legend: (P) - Pathogenic, (N) - Neutral, (B) - Benign

NM_002474.3(MYH11):c.404C>T (p.Ser135Leu)

Gene: MYH11 (myosin heavy chain 11; minus strand). Cytogenetic location: 16p13.11.
Variant type: single nucleotide variant.
Coding change: c.404C>T on transcript NM_002474.3 (MANE Select); coding-DNA position 404, C replaced by T.
Protein change: p.Ser135Leu; replaces serine 135 with leucine.
Molecular consequence: missense variant.
Genome position (GRCh38, 1-based): chr16:15,823,353, G>A on the plus strand (C>T on the coding strand, the complement: MYH11 is on the minus strand). VCF-style: chr16-15823353-G-A. GRCh37 (hg19) VCF-style: chr16-15917210-G-A.
Other names: c.404C>T, p.Ser135Leu (NM_001040113.2, NM_001040114.2, NM_022844.3); short protein forms S135L.
Identifiers: ClinVar variation 1192277 (VCV001192277.7), dbSNP rs760445629, ClinGen allele CA7923055.